The following is an entry in ClinVar:

ClinVar aggregate classification (germline): Benign (0 of 4 stars; one submission).

Conditions:
TAOK1-related disorder. Also called: TAOK1-related condition.

Allele frequency attached by ClinVar (database versions not stated): 1000 Genomes Project 30x 0.00500; 1000 Genomes Project 0.00559; TOPMed 0.01418; gnomAD 0.01541; ExAC 0.01832; ESP Exome Variant Server 0.01984; gnomAD exomes 0.02382.
gnomAD v4.1: 36,881 of 1,612,856 alleles (2.3%); highest among the groups gnomAD compares: Non-Finnish European, 2.8%; 502 homozygotes.

Submission:

PreventionGenetics, part of Exact Sciences
Classification: Benign for TAOK1-related condition. Last evaluated: 2019-11-07. Review status: no assertion criteria provided. Collection method: clinical testing. Allele origin: germline.
Comment: This variant is classified as benign based on ACMG/AMP sequence variant interpretation guidelines (Richards et al. 2015 PMID: 25741868, with internal and published modifications).

NM_020791.4(TAOK1):c.480A>G (p.Thr160=)

Gene: TAOK1 (TAO kinase 1; plus strand). Cytogenetic location: 17q11.2.
Variant type: single nucleotide variant.
Coding change: c.480A>G on transcript NM_020791.4 (MANE Select); coding-DNA position 480, A replaced by G.
Protein change: p.Thr160=; no amino-acid change (threonine 160 retained).
Molecular consequence: synonymous variant.
Genome position (GRCh38, 1-based): chr17:29,480,398, A>G. VCF-style: chr17-29480398-A-G. GRCh37 (hg19) VCF-style: chr17-27807416-A-G.
Other names: c.480A>G, p.Thr160= (NM_025142.1).
Identifiers: ClinVar variation 3059352 (VCV003059352.2), dbSNP rs56387760, ClinGen allele CA8474438.
Genomic context (GRCh38, chr17:29,480,398, plus strand): 5'-TAAGTAATTTTCTGTATTCCCTAAACCTAGAGATATCAAAGCAGGAAATATCCTTCTGAC[A>G]GAACCAGGCCAGGTGAAACTTGCTGACTTTGGCTCTGCTTCCATGGCATCACCTGCCAAT-3'
Protein context (NP_065842.1, residues 150-170): RDIKAGNILL[Thr160=]EPGQVKLADF